The following continues an entry in ClinVar:

NM_001943.5(DSG2):c.3059_3062del (p.Glu1020fs)

ClinVar aggregate classification (germline): Conflicting classifications of pathogenicity. Pathogenic (5); Likely pathogenic (9); Uncertain significance (3).

Submissions 8 to 17 of 17:

All of Us Research Program, National Institutes of Health
Classification: Uncertain significance for Arrhythmogenic right ventricular cardiomyopathy. Last evaluated: 2024-07-20. Review status: criteria provided, single submitter. Criteria: ACMG Guidelines, 2015. Collection method: clinical testing. Allele origin: germline. Inheritance: Autosomal dominant inheritance. Observed: 17 variant alleles, 17 heterozygotes.
Comment: This variant deletes 4 nucleotides in exon 15 of the DSG2 gene, creating a frameshift in the last exon. The mutant transcript is expected to escape nonsense-mediated decay and be expressed as a protein product containing altered C-terminal sequence. To our knowledge, functional studies have not been reported for this variant. This variant has been identified in eight unrelated individuals affected with arrhythmogenic cardiomyopathy (PMID: 21397041, 20864495, 23381804, 33821670, 34263121, 36431211) and has been reported to segregate with disease in one of the families (PMID: 21397041). This variant has also been observed in individuals affected with conduction defect (PMID: 21397041), hypertrophic cardiomyopathy (PMID: 34500006), or dilated cardiomyopathy (PMID: 36129056), and in unaffected family members (PMID 21397041) as well as in individuals without history of cardiovascular events (PMID: 33968641, 34135346). Furthermore, the variant has been reported in compound heterozygous state with another DSG2 variant in three individual affected with arrhythmogenic cardiomyopathy (PMID: 37418234). This variant has been identified in 9/249404 chromosomes in the general population by the Genome Aggregation Database (gnomAD). Although there is a suspicion for a pathogenic role, the available evidence is insufficient to determine the role of this variant in disease conclusively. Therefore, this variant is classified as a Variant of Uncertain Significance.

This study involves interpretation of variants in research participants for the purpose of population health screening. Participant phenotype was not available at the time of variant classification. Additional details can be found in publication PMID: 35346344, PMCID: PMC8962531

Fulgent Genetics
Classification: Likely pathogenic for Arrhythmogenic right ventricular dysplasia 10; Dilated cardiomyopathy 1BB. Last evaluated: 2024-04-12. Review status: criteria provided, single submitter. Criteria: ACMG Guidelines, 2015. Collection method: clinical testing. Allele origin: germline.

Blueprint Genetics
Classification: Pathogenic for DSG2-related disorders. Last evaluated: 2023-08-15. Review status: criteria provided, single submitter. Criteria: ACMG Guidelines, 2015. Collection method: clinical testing. Allele origin: germline. Affected: yes. Observed: 5 variant alleles.

Department of Pathology and Laboratory Medicine, Sinai Health System
Classification: Likely pathogenic for Arrhythmogenic right ventricular dysplasia 10; Dilated cardiomyopathy 1BB. Last evaluated: 2023-01-12. Review status: criteria provided, single submitter. Criteria: ACMG Guidelines, 2015. Collection method: research. Allele origin: germline.

Mendelics
Classification: Pathogenic for Arrhythmogenic right ventricular dysplasia 10. Last evaluated: 2022-05-04. Review status: criteria provided, single submitter. Criteria: Mendelics Assertion Criteria 2019. Collection method: clinical testing. Allele origin: germline.

AiLife Diagnostics
Classification: Uncertain significance. Last evaluated: 2021-11-02. Review status: criteria provided, single submitter. Criteria: ACMG Guidelines, 2015. Collection method: clinical testing. Allele origin: germline. Affected: yes. Observed: 1 variant allele.

Human Genome Sequencing Center Clinical Lab, Baylor College of Medicine
Classification: Likely pathogenic for Arrhythmogenic right ventricular dysplasia/cardiomyopathy, type 10. Last evaluated: 2019-10-31. Review status: criteria provided, single submitter. Criteria: ACMG Guidelines, 2015. Collection method: clinical testing. Allele origin: germline.
Comment: The c.3059_3062delAGAG (p.Glu1020Alafs*18) variant in the DSG2 gene is predicted to introduce a premature translational termination codon, expecting to disrupt the last 99 amino acids of the DSG2 protein. This variant has been reported in individuals and a family affected with arrhythmogenic right ventricular cardiomyopathy (PMID: 20864495, 21397041, 23381804). This variant is present in population databases at low frequency (gnomAD 0.003609%). Therefore, this c.3059_3062delAGAG (p.Glu1020Alafs*18) variant in the DSG2 gene is classified as likely pathogenic.

Equipe Genetique des Anomalies du Developpement, Université de Bourgogne
Classification: Pathogenic for Arrhythmogenic right ventricular dysplasia 10. Last evaluated: 2019-07-25. Review status: criteria provided, single submitter. Criteria: ACMG Guidelines, 2015. Collection method: clinical testing. Allele origin: unknown. Affected: yes.

Center for Advanced Laboratory Medicine, UC San Diego Health, University of California San Diego
Classification: Likely pathogenic for Cardiomyopathy. Last evaluated: 2018-11-28. Review status: criteria provided, single submitter. Criteria: ACMG Guidelines, 2015. Collection method: clinical testing. Allele origin: germline. Affected: yes. Observed: 1 variant allele.

HudsonAlpha Institute for Biotechnology
Classification: Likely pathogenic for Dilated cardiomyopathy 1BB. Last evaluated: 2015-10-08. Review status: criteria provided, single submitter. Criteria: HA_assertions_20150911. Collection method: research. Allele origin: unknown, paternal. Observed: 2 variant alleles. Study: CSER-HudsonAlpha.

Literature cited by the submitters: PubMed 21397041 (cited by 7 submitters); PubMed 20864495 (cited by 7 submitters); PubMed 23381804 (cited by 7 submitters); PubMed 34263121 (cited by 5 submitters); PubMed 21636032 (cited by Labcorp Genetics (formerly Invitae), Labcorp); PubMed 29790872 (cited by Dasa and AiLife Diagnostics); PubMed 31386562 (cited by Ambry Genetics and AiLife Diagnostics); PubMed 33968641 (cited by 3 submitters); PubMed 34135346 (cited by 4 submitters); PubMed 33821670 (cited by Color Diagnostics, LLC DBA Color Health and All of Us Research Program, National Institutes of Health); PubMed 34500006 (cited by Color Diagnostics, LLC DBA Color Health and All of Us Research Program, National Institutes of Health); PubMed 36129056 (cited by Color Diagnostics, LLC DBA Color Health and All of Us Research Program, National Institutes of Health); PubMed 36431211 (cited by Color Diagnostics, LLC DBA Color Health and All of Us Research Program, National Institutes of Health); PubMed 37418234 (cited by Color Diagnostics, LLC DBA Color Health and All of Us Research Program, National Institutes of Health); PubMed 31589614 (cited by AiLife Diagnostics); PubMed 33087929 (cited by AiLife Diagnostics); PubMed 31402444 (cited by AiLife Diagnostics); PubMed 31447099 (cited by AiLife Diagnostics).